The following is an entry in ClinVar:

NM_080425.4(GNAS):c.574G>A (p.Ala192Thr)

Gene: GNAS (GNAS complex locus; plus strand). Cytogenetic location: 20q13.32.
Variant type: single nucleotide variant.
Coding change: c.574G>A on transcript NM_080425.4 (MANE Plus Clinical); coding-DNA position 574, G replaced by A.
Protein change: p.Ala192Thr; replaces alanine 192 with threonine.
Molecular consequence: missense variant. On other transcripts: synonymous variant (2), intron variant (3).
Genome position (GRCh38, 1-based): chr20:58,853,839, G>A. VCF-style: chr20-58853839-G-A. GRCh37 (hg19) VCF-style: chr20-57428894-G-A.
Other names: c.387G>A, p.Leu129= (NM_001077490.3, NM_001309883.1); c.574G>A, p.Ala192Thr (NM_001410913.1); c.*42+12953G>A (NM_016592.5); c.43+12953G>A (NM_001410912.1); c.-39+11964G>A (NM_001309861.2); short protein forms A192T.
Identifiers: ClinVar variation 4994949 (VCV004994949.1).
Genomic context (GRCh38, chr20:58,853,839, plus strand): 5'-AGAGGCTGCAGTCAACTTCTCTTACAGGTCCCAGACCTTGCTCCAGGAGGCCCAGGTGCT[G>A]CAGGGGTCCCCGGAGCTCCTCCCGAGGAGCCCCAAGCCCTCAGGCCTGCAAAGGCTGGCT-3'
Protein context (NP_536350.2, residues 182-202): PDLAPGGPGA[Ala192Thr]GVPGAPPEEP

ClinVar aggregate classification (germline): Uncertain significance (1 of 4 stars; one submission).

Conditions:
GNAS-related disorder. Identifiers: MedGen CN380105.

gnomAD v4.1: 2 of 1,597,040 alleles (0.00013%); highest among the groups gnomAD compares: Non-Finnish European, 0.00017%; no homozygotes.

Submission:

PreventionGenetics, part of Exact Sciences
Classification: Uncertain significance for GNAS-related condition. Last evaluated: 2025-11-16. Review status: criteria provided, single submitter. Criteria: ACMG Guidelines, 2015. Collection method: clinical testing. Allele origin: germline.
Comment: The GNAS c.574G>A variant is predicted to result in the amino acid substitution p.Ala192Thr. In the primary transcript listed in the Human Gene Mutation Database, this variant is pre-coding (NM_000516, c.-37888G>A). To our knowledge, this variant has not been reported in the literature or in a large population database (gnomAD), indicating this variant is rare. At this time, the clinical significance of this variant is uncertain due to the absence of conclusive functional and genetic evidence.